The following is an entry in ClinVar:

ClinVar aggregate classification (germline): Uncertain significance (1 of 4 stars; one submission).

Conditions:
Brugada syndrome 5 (BRGDA5). Identifiers: Orphanet 130, Orphanet 871, MedGen C2748541, MONDO:0013015, OMIM 612838.

Submission:

Labcorp Genetics (formerly Invitae), Labcorp
Classification: Uncertain significance for Brugada syndrome 5. Last evaluated: 2025-03-19. Review status: criteria provided, single submitter. Criteria: Invitae Variant Classification Sherloc (09022015). Collection method: clinical testing. Allele origin: germline.
Comment: This sequence change replaces leucine, which is neutral and non-polar, with phenylalanine, which is neutral and non-polar, at codon 255 of the SCN1B protein (p.Leu255Phe). This variant is not present in population databases (gnomAD no frequency). This variant has not been reported in the literature in individuals affected with SCN1B-related conditions. An algorithm developed to predict the effect of missense changes on protein structure and function (PolyPhen-2) suggests that this variant is likely to be tolerated. In summary, the available evidence is currently insufficient to determine the role of this variant in disease. Therefore, it has been classified as a Variant of Uncertain Significance.

NM_001037.5(SCN1B):c.448+317G>T

Gene: SCN1B (sodium voltage-gated channel beta subunit 1; plus strand). Cytogenetic location: 19q13.11.
Variant type: single nucleotide variant.
Coding change: c.448+317G>T on transcript NM_001037.5 (MANE Select); 317 bases into the intron after coding-DNA position 448, G replaced by T.
Molecular consequence: intron variant. On other transcripts: missense variant (1).
Genome position (GRCh38, 1-based): chr19:35,034,056, G>T. VCF-style: chr19-35034056-G-T. GRCh37 (hg19) VCF-style: chr19-35524960-G-T.
Other names: c.765G>T, p.Leu255Phe (NM_199037.5); c.349+317G>T (NM_001321605.2); short protein forms L255F.
Identifiers: ClinVar variation 4715451 (VCV004715451.1).